The following is an entry in ClinVar:

ClinVar aggregate classification (germline): Likely benign. Review status: criteria provided, single submitter (1 of 4 stars). 2 submissions from 2 submitters: Likely benign (1). 1 of the submissions does not count toward it. Last evaluated 2025-02-01.

Conditions:
KCNQ1-related disorder. Also called: KCNQ1-related disorders; KCNQ1-related condition. Identifiers: MedGen CN239322.

Allele frequency attached by ClinVar (database versions not stated): gnomAD exomes 0.00015; 1000 Genomes Project 0.00060; 1000 Genomes Project 30x 0.00078.
gnomAD v4.1: 250 of 398,370 alleles (0.063%); highest among the groups gnomAD compares: African/African-American, 0.46%; no homozygotes.

Submissions (2):

CeGaT Center for Human Genetics Tuebingen
Classification: Likely benign. Last evaluated: 2025-02-01. Review status: criteria provided, single submitter. Criteria: CeGaT Center For Human Genetics Tuebingen Variant Classification Criteria Version 2. Collection method: clinical testing. Allele origin: germline. Affected: yes. Observed: 1 variant allele.
Comment: KCNQ1OT1: BS1

PreventionGenetics, part of Exact Sciences
Classification: Likely benign for KCNQ1-related condition. Last evaluated: 2023-02-26. Review status: no assertion criteria provided. Collection method: clinical testing. Allele origin: germline. Not counted in ClinVar's aggregate classification.
Comment: This variant is classified as likely benign based on ACMG/AMP sequence variant interpretation guidelines (Richards et al. 2015 PMID: 25741868, with internal and published modifications).

NM_000218.3(KCNQ1):c.1393+24883C>A

Genes: KCNQ1 (potassium voltage-gated channel subfamily Q member 1; plus strand), KCNQ1OT1 (KCNQ1 opposite strand/antisense transcript 1; minus strand). Cytogenetic location: 11p15.5.
Variant type: single nucleotide variant.
Coding change: c.1393+24883C>A on transcript NM_000218.3 (MANE Select); 24883 bases into the intron after coding-DNA position 1393, C replaced by A.
Molecular consequence: intron variant. On other transcripts: non-coding transcript variant (1).
Genome position (GRCh38, 1-based): chr11:2,613,737, C>A. VCF-style: chr11-2613737-C-A. GRCh37 (hg19) VCF-style: chr11-2634967-C-A.
Other names: c.1123+24883C>A (NM_001406837.1); c.1297+24883C>A (NM_001406836.1); c.853+24883C>A (NM_001406838.1); c.1012+24883C>A (NM_181798.2).
Identifiers: ClinVar variation 3036626 (VCV003036626.15), dbSNP rs188973037, ClinGen allele CA216358422.